The following is an entry in ClinVar:

ClinVar aggregate classification (germline): Uncertain significance. Review status: criteria provided, multiple submitters, no conflicts (2 of 4 stars). 2 submissions from 2 submitters: Uncertain significance (2). Last evaluated 2022-04-01.

Allele frequency attached by ClinVar (database versions not stated): gnomAD exomes below 0.00001.
gnomAD v4.1: 1 of 1,614,114 alleles (0.000062%); highest among the groups gnomAD compares: Non-Finnish European, 0.000085%; no homozygotes.

Submissions (2):

Labcorp Genetics (formerly Invitae), Labcorp
Classification: Uncertain significance. Last evaluated: 2022-04-01. Review status: criteria provided, single submitter. Criteria: Invitae Variant Classification Sherloc (09022015). Collection method: clinical testing. Allele origin: germline.
Comment: In summary, the available evidence is currently insufficient to determine the role of this variant in disease. Therefore, it has been classified as a Variant of Uncertain Significance. Algorithms developed to predict the effect of missense changes on protein structure and function are either unavailable or do not agree on the potential impact of this missense change (SIFT: "Deleterious"; PolyPhen-2: "Probably Damaging"; Align-GVGD: "Class C0"). This variant has not been reported in the literature in individuals affected with GLIS3-related conditions. This variant is not present in population databases (gnomAD no frequency). This sequence change replaces leucine, which is neutral and non-polar, with phenylalanine, which is neutral and non-polar, at codon 768 of the GLIS3 protein (p.Leu768Phe).

Breakthrough Genomics
Classification: Uncertain significance. Review status: criteria provided, single submitter. Criteria: ACMG Guidelines, 2015. Collection method: not provided. Allele origin: germline. Inheritance: Autosomal recessive inheritance. Affected: yes.

NM_001042413.2(GLIS3):c.2767C>T (p.Leu923Phe)

Gene: GLIS3 (GLIS family zinc finger 3; minus strand). Cytogenetic location: 9p24.2.
Variant type: single nucleotide variant.
Coding change: c.2767C>T on transcript NM_001042413.2 (MANE Select); coding-DNA position 2767, C replaced by T.
Protein change: p.Leu923Phe; replaces leucine 923 with phenylalanine.
Molecular consequence: missense variant.
Genome position (GRCh38, 1-based): chr9:3,828,298, G>A on the plus strand (C>T on the coding strand, the complement: GLIS3 is on the minus strand). VCF-style: chr9-3828298-G-A. GRCh37 (hg19) VCF-style: chr9-3828298-G-A.
Other names: c.2302C>T, p.Leu768Phe (NM_152629.4); short protein forms L768F, L923F.
Identifiers: ClinVar variation 2120218 (VCV002120218.5), dbSNP rs2537067369, ClinGen allele CA372803955.